The following is an entry in ClinVar:

NM_001079843.3(CASZ1):c.3873C>T (p.Cys1291=)

Gene: CASZ1 (castor zinc finger 1; minus strand). Cytogenetic location: 1p36.22.
Variant type: single nucleotide variant.
Coding change: c.3873C>T on transcript NM_001079843.3 (MANE Select); coding-DNA position 3873, C replaced by T.
Protein change: p.Cys1291=; no amino-acid change (cysteine 1291 retained).
Molecular consequence: synonymous variant.
Genome position (GRCh38, 1-based): chr1:10,643,307, G>A on the plus strand (C>T on the coding strand, the complement: CASZ1 is on the minus strand). VCF-style: chr1-10643307-G-A. GRCh37 (hg19) VCF-style: chr1-10703364-G-A.
Identifiers: ClinVar variation 3067753 (VCV003067753.21), dbSNP rs2522039718, ClinGen allele CA416035645.
Genomic context (GRCh38, chr1:10,643,307, plus strand): 5'-GAAGGAGAACTGGCAGCCCTCCCGGATGCAGTGGAAGTGGCTGTTCACCTGGTTGTACTT[G>A]CAACCTGTGGACACAGCCCCACCTGGCATGAGCCCCCAGCTGGCCAGCGCTCATGGCTTC-3'
Protein context (NP_001073312.1, residues 1281-1301): TKREECGRLG[Cys1291=]KYNQVNSHFH

ClinVar aggregate classification (germline): Likely benign (1 of 4 stars; one submission).

Submission:

CeGaT Center for Human Genetics Tuebingen
Classification: Likely benign. Last evaluated: 2024-03-01. Review status: criteria provided, single submitter. Criteria: CeGaT Center For Human Genetics Tuebingen Variant Classification Criteria Version 2. Collection method: clinical testing. Allele origin: germline. Affected: yes. Observed: 1 variant allele.
Comment: CASZ1: PM2:Supporting, BP4, BP7